The following is an entry in ClinVar:

ClinVar aggregate classification (germline): Uncertain significance (1 of 4 stars; one submission).

Conditions:
Cardiovascular phenotype. Identifiers: MedGen CN230736.

gnomAD v4.1: 4 of 1,614,082 alleles (0.00025%); highest among the groups gnomAD compares: South Asian, 0.0044%; no homozygotes.

Submission:

Ambry Genetics
Classification: Uncertain significance for Cardiovascular phenotype. Last evaluated: 2025-10-27. Review status: criteria provided, single submitter. Criteria: Ambry Variant Classification Scheme 2023. Collection method: clinical testing. Allele origin: germline.
Comment: The p.Y42C variant (also known as c.125A>G), located in coding exon 2 of the SCN4B gene, results from an A to G substitution at nucleotide position 125. The tyrosine at codon 42 is replaced by cysteine, an amino acid with highly dissimilar properties. This amino acid position is conserved. In addition, this alteration is predicted to be tolerated by in silico analysis. Based on the available evidence, the clinical significance of this variant remains unclear.

NM_174934.4(SCN4B):c.125A>G (p.Tyr42Cys)

Gene: SCN4B (sodium voltage-gated channel beta subunit 4; minus strand). Cytogenetic location: 11q23.3.
Variant type: single nucleotide variant.
Coding change: c.125A>G on transcript NM_174934.4 (MANE Select); coding-DNA position 125, A replaced by G.
Protein change: p.Tyr42Cys; replaces tyrosine 42 with cysteine.
Molecular consequence: missense variant. On other transcripts: 5 prime UTR variant (1), non-coding transcript variant (1), intron variant (1).
Genome position (GRCh38, 1-based): chr11:118,145,166, T>C on the plus strand (A>G on the coding strand, the complement: SCN4B is on the minus strand). VCF-style: chr11-118145166-T-C. GRCh37 (hg19) VCF-style: chr11-118015881-T-C.
Other names: c.-206A>G (NM_001142349.2); c.62-3830A>G (NM_001142348.2); short protein forms Y42C.
Identifiers: ClinVar variation 4614930 (VCV004614930.1).